The following is an entry in ClinVar:

NM_000268.4(NF2):c.1511G>A (p.Ser504Asn)

Gene: NF2 (NF2, moesin-ezrin-radixin like (MERLIN) tumor suppressor; plus strand). Cytogenetic location: 22q12.2.
Variant type: single nucleotide variant.
Coding change: c.1511G>A on transcript NM_000268.4 (MANE Select); coding-DNA position 1511, G replaced by A.
Protein change: p.Ser504Asn; replaces serine 504 with asparagine.
Molecular consequence: missense variant. On other transcripts: non-coding transcript variant (1), intron variant (1).
Genome position (GRCh38, 1-based): chr22:29,678,260, G>A. VCF-style: chr22-29678260-G-A. GRCh37 (hg19) VCF-style: chr22-30074249-G-A.
Other names: c.1511G>A, p.Ser504Asn (NM_016418.5, NM_181825.3, NM_181832.3); c.1385G>A, p.Ser462Asn (NM_181828.3); c.1388G>A, p.Ser463Asn (NM_181829.3); c.1262G>A, p.Ser421Asn (NM_181830.3, NM_181831.3); c.448-16492G>A (NM_181833.3); short protein forms S504N, S462N, S463N, S421N.
Identifiers: ClinVar variation 661260 (VCV000661260.9), dbSNP rs756366940, ClinGen allele CA411149673.

ClinVar aggregate classification (germline): Uncertain significance (1 of 4 stars; one submission).

Conditions:
Neurofibromatosis, type 2 (SWNV). Also called: BILATERAL ACOUSTIC NEUROFIBROMATOSIS; SCHWANNOMATOSIS, VESTIBULAR; NF2-Related Schwannomatosis. Identifiers: Orphanet 637, MedGen C0027832, MONDO:0007039, OMIM 101000. Disease mechanism: loss of function.

Submission:

Labcorp Genetics (formerly Invitae), Labcorp
Classification: Uncertain significance for Neurofibromatosis, type 2. Last evaluated: 2022-07-26. Review status: criteria provided, single submitter. Criteria: Invitae Variant Classification Sherloc (09022015). Collection method: clinical testing. Allele origin: germline.
Comment: In summary, the available evidence is currently insufficient to determine the role of this variant in disease. Therefore, it has been classified as a Variant of Uncertain Significance. Algorithms developed to predict the effect of missense changes on protein structure and function (SIFT, PolyPhen-2, Align-GVGD) all suggest that this variant is likely to be tolerated. ClinVar contains an entry for this variant (Variation ID: 661260). This variant has not been reported in the literature in individuals affected with NF2-related conditions. This variant is not present in population databases (gnomAD no frequency). This sequence change replaces serine, which is neutral and polar, with asparagine, which is neutral and polar, at codon 504 of the NF2 protein (p.Ser504Asn).